The following is an entry in ClinVar:

ClinVar aggregate classification (germline): Uncertain significance. Review status: criteria provided, multiple submitters, no conflicts (2 of 4 stars). 2 submissions from 2 submitters: Uncertain significance (2). Last evaluated 2025-07-30.

Allele frequency attached by ClinVar (database versions not stated): gnomAD exomes below 0.00001; TOPMed below 0.00001; ExAC 0.00001.

Submissions (2):

Labcorp Genetics (formerly Invitae), Labcorp
Classification: Uncertain significance. Last evaluated: 2025-07-30. Review status: criteria provided, single submitter. Criteria: Invitae Variant Classification Sherloc (09022015). Collection method: clinical testing. Allele origin: germline.
Comment: This sequence change replaces glycine, which is neutral and non-polar, with arginine, which is basic and polar, at codon 142 of the BSND protein (p.Gly142Arg). This variant is present in population databases (rs745871123, gnomAD 0.006%). This variant has not been reported in the literature in individuals affected with BSND-related conditions. ClinVar contains an entry for this variant (Variation ID: 2080634). Invitae Evidence Modeling of protein sequence and biophysical properties (such as structural, functional, and spatial information, amino acid conservation, physicochemical variation, residue mobility, and thermodynamic stability) indicates that this missense variant is not expected to disrupt BSND protein function with a negative predictive value of 80%. In summary, the available evidence is currently insufficient to determine the role of this variant in disease. Therefore, it has been classified as a Variant of Uncertain Significance.

GeneDx
Classification: Uncertain significance. Last evaluated: 2024-05-29. Review status: criteria provided, single submitter. Criteria: GeneDx Variant Classification Process June 2021. Collection method: clinical testing. Allele origin: germline. Affected: yes.
Comment: Not observed at significant frequency in large population cohorts (gnomAD); In silico analysis indicates that this missense variant does not alter protein structure/function; Has not been previously published as pathogenic or benign to our knowledge

NM_057176.3(BSND):c.424G>A (p.Gly142Arg)

Gene: BSND (barttin CLCNK type accessory subunit beta; plus strand). Cytogenetic location: 1p32.3.
Variant type: single nucleotide variant.
Coding change: c.424G>A on transcript NM_057176.3 (MANE Select); coding-DNA position 424, G replaced by A.
Protein change: p.Gly142Arg; replaces glycine 142 with arginine.
Molecular consequence: missense variant.
Genome position (GRCh38, 1-based): chr1:55,007,148, G>A. VCF-style: chr1-55007148-G-A. GRCh37 (hg19) VCF-style: chr1-55472821-G-A.
Other names: c.424G>A (NM_057176.2); short protein forms G142R.
Identifiers: ClinVar variation 2080634 (VCV002080634.3), dbSNP rs745871123, ClinGen allele CA871332.
Genomic context (GRCh38, chr1:55,007,148, plus strand): 5'-ATGAGCTACAGTGAGGACCACCGCTCCTTGCTGGCCCCTGAGATGGGGCAGCCGAAGCTG[G>A]GAACCAGTGATGGAGGAGAAGGTGGCCCTGGCGACGTTCAGGCCTGGATGGAGGCTGCCG-3'
Protein context (NP_476517.1, residues 132-152): LAPEMGQPKL[Gly142Arg]TSDGGEGGPG